The following is an entry in ClinVar:

NM_000179.3(MSH6):c.3598A>C (p.Ile1200Leu)

Gene: MSH6 (mutS homolog 6; plus strand). Cytogenetic location: 2p16.3.
Variant type: single nucleotide variant.
Coding change: c.3598A>C on transcript NM_000179.3 (MANE Select); coding-DNA position 3598, A replaced by C.
Protein change: p.Ile1200Leu; replaces isoleucine 1200 with leucine.
Molecular consequence: missense variant.
Genome position (GRCh38, 1-based): chr2:47,805,659, A>C. VCF-style: chr2-47805659-A-C. GRCh37 (hg19) VCF-style: chr2-48032798-A-C.
Other names: c.3208A>C, p.Ile1070Leu (NM_001281492.2); c.2692A>C, p.Ile898Leu (NM_001281493.2, NM_001281494.2, NM_001406811.1 and 6 more transcripts); c.3694A>C, p.Ile1232Leu (NM_001406795.1, NM_001406802.1); c.3598A>C, p.Ile1200Leu (NM_001406796.1, NM_001406800.1, NM_001406808.1 and 1 more transcripts); c.3301A>C, p.Ile1101Leu (NM_001406797.1, NM_001406801.1, NM_001406805.1 and 10 more transcripts); c.3424A>C, p.Ile1142Leu (NM_001406798.1); c.3073A>C, p.Ile1025Leu (NM_001406799.1, NM_001406806.1, NM_001406807.1); c.2734A>C, p.Ile912Leu (NM_001406803.1); and 7 more; short protein forms I1232L, I515L, I1025L, I1200L, I1144L, I127L, I678L, I912L.
Identifiers: ClinVar variation 1733033 (VCV001733033.2), dbSNP rs781627838, ClinGen allele CA346760548.

ClinVar aggregate classification (germline): Uncertain significance (1 of 4 stars; one submission).

Conditions:
Hereditary cancer-predisposing syndrome. Also called: Neoplastic Syndromes, Hereditary; Tumor predisposition; Hereditary Cancer Syndrome; Hereditary neoplastic syndrome. Identifiers: Orphanet 140162, MedGen C0027672, MeSH D009386, MONDO:0015356.

Submission:

Ambry Genetics
Classification: Uncertain significance for Hereditary cancer-predisposing syndrome. Last evaluated: 2020-01-21. Review status: criteria provided, single submitter. Criteria: Ambry Variant Classification Scheme 2023. Collection method: clinical testing. Allele origin: germline.
Comment: The p.I1200L variant (also known as c.3598A>C), located in coding exon 7 of the MSH6 gene, results from an A to C substitution at nucleotide position 3598. The isoleucine at codon 1200 is replaced by leucine, an amino acid with highly similar properties. This amino acid position is highly conserved in available vertebrate species. In addition, the in silico prediction for this alteration is inconclusive. Since supporting evidence is limited at this time, the clinical significance of this alteration remains unclear.